The following is an entry in ClinVar:

ClinVar aggregate classification (germline): Pathogenic (1 of 4 stars; one submission).

Conditions:
Congenital sideroblastic anemia-B-cell immunodeficiency-periodic fever-developmental delay syndrome. Also called: Sideroblastic anemia with B-cell immunodeficiency, periodic fevers, and developmental delay. Identifiers: Orphanet 369861, MedGen C4015172, MONDO:0014487, OMIM 616084.

Submission:

Labcorp Genetics (formerly Invitae), Labcorp
Classification: Pathogenic for Congenital sideroblastic anemia-B-cell immunodeficiency-periodic fever-developmental delay syndrome. Last evaluated: 2025-05-22. Review status: criteria provided, single submitter. Criteria: Invitae Variant Classification Sherloc (09022015). Collection method: clinical testing. Allele origin: germline.
Comment: This sequence change creates a premature translational stop signal (p.Asp338Valfs*5) in the TRNT1 gene. While this is not anticipated to result in nonsense mediated decay, it is expected to disrupt the last 97 amino acid(s) of the TRNT1 protein. This variant is not present in population databases (gnomAD no frequency). This variant has not been reported in the literature in individuals affected with TRNT1-related conditions. ClinVar contains an entry for this variant (Variation ID: 2859561). Algorithms developed to predict the effect of sequence changes on RNA splicing suggest that this variant may disrupt the consensus splice site. This variant disrupts a region of the TRNT1 protein in which other variant(s) (p.Ser418Lysfs*9) have been determined to be pathogenic (PMID: 25193871, 26494905, 29358286; internal data). This suggests that this is a clinically significant region of the protein, and that variants that disrupt it are likely to be disease-causing. For these reasons, this variant has been classified as Pathogenic.

Literature cited by the submitters: PubMed 25193871; PubMed 26494905; PubMed 29358286.

NM_182916.3(TRNT1):c.1013_1016del (p.Asp338fs)

Gene: TRNT1 (tRNA nucleotidyl transferase 1; plus strand). Cytogenetic location: 3p26.2.
Variant type: Deletion.
Coding change: c.1013_1016del on transcript NM_182916.3 (MANE Select); coding-DNA positions 1013 to 1016, 4 bases deleted (ATAG; older notation c.1013_1016delATAG).
Protein change: p.Asp338fs; shifts the reading frame from aspartic acid 338.
Molecular consequence: frameshift variant. On other transcripts: non-coding transcript variant (8).
Genome position (GRCh38, 1-based): chr3:3,147,660-3,147,663, ATAG deleted; deleting any 4 consecutive bases within chr3:3,147,658-3,147,663 gives the same sequence; the c. name uses the placement nearest the transcript's 3' end. VCF-style (leftmost placement, unchanged base first): chr3-3147657-CAGAT-C. GRCh37 (hg19) VCF-style: chr3-3189341-CAGAT-C.
Other names: c.953_956del, p.Asp318fs (NM_001302946.2); c.1013_1016del, p.Asp338fs (NM_001367321.1, NM_001367322.1, NM_001367323.1); short protein forms D338fs, D318fs.
Identifiers: ClinVar variation 2859561 (VCV002859561.3), dbSNP rs1559231280, ClinGen allele CA2739279120.